The following is an entry in ClinVar:

ClinVar aggregate classification (germline): Uncertain significance (1 of 4 stars; one submission).

Conditions:
Long QT syndrome (LQTS). Identifiers: MedGen C0023976, MeSH D008133, MONDO:0002442. Disease mechanism: loss of function. Inheritance: Various modes of inheritance.

Submission:

Labcorp Genetics (formerly Invitae), Labcorp
Classification: Uncertain significance for Long QT syndrome. Last evaluated: 2024-08-22. Review status: criteria provided, single submitter. Criteria: Invitae Variant Classification Sherloc (09022015). Collection method: clinical testing. Allele origin: germline.
Comment: This sequence change replaces glutamine, which is neutral and polar, with glutamic acid, which is acidic and polar, at codon 1967 of the CACNA1C protein (p.Gln1967Glu). This variant is not present in population databases (gnomAD no frequency). This variant has not been reported in the literature in individuals affected with CACNA1C-related conditions. Invitae Evidence Modeling of protein sequence and biophysical properties (such as structural, functional, and spatial information, amino acid conservation, physicochemical variation, residue mobility, and thermodynamic stability) indicates that this missense variant is not expected to disrupt CACNA1C protein function with a negative predictive value of 95%. In summary, the available evidence is currently insufficient to determine the role of this variant in disease. Therefore, it has been classified as a Variant of Uncertain Significance.

NM_000719.7(CACNA1C):c.5899C>G (p.Gln1967Glu)

Genes: CACNA1C (calcium voltage-gated channel subunit alpha1 C; plus strand), CACNA1C-AS1 (CACNA1C antisense RNA 1; minus strand). Cytogenetic location: 12p13.33.
Variant type: single nucleotide variant.
Coding change: c.5899C>G on transcript NM_000719.7 (MANE Select); coding-DNA position 5899, C replaced by G.
Protein change: p.Gln1967Glu; replaces glutamine 1967 with glutamic acid.
Molecular consequence: missense variant.
Genome position (GRCh38, 1-based): chr12:2,688,561, C>G. VCF-style: chr12-2688561-C-G. GRCh37 (hg19) VCF-style: chr12-2797727-C-G.
Other names: c.6043C>G, p.Gln2015Glu (NM_001129827.2); c.6022C>G, p.Gln2008Glu (NM_001129829.2); c.6004C>G, p.Gln2002Glu (NM_001129830.3, NM_001167624.3); c.5983C>G, p.Gln1995Glu (NM_001129831.2); c.5959C>G, p.Gln1987Glu (NM_001129832.2); c.5956C>G, p.Gln1986Glu (NM_001129833.2, NM_001129834.2, NM_001129835.2); c.5950C>G, p.Gln1984Glu (NM_001129836.2); c.5923C>G, p.Gln1975Glu (NM_001129837.2, NM_001129838.2); and 6 more; short protein forms Q2002E, Q1964E, Q1967E, Q1973E, Q1975E, Q2008E, Q1956E, Q1987E.
Identifiers: ClinVar variation 2713552 (VCV002713552.3), dbSNP rs1556307935, ClinGen allele CA383384390.